The following is an entry in ClinVar:

NM_003072.5(SMARCA4):c.4032C>G (p.Pro1344=)

Gene: SMARCA4 (SWI/SNF related BAF chromatin remodeling complex subunit ATPase 4; plus strand). Cytogenetic location: 19p13.2.
Variant type: single nucleotide variant.
Coding change: c.4032C>G on transcript NM_003072.5 (MANE Select); coding-DNA position 4032, C replaced by G.
Protein change: p.Pro1344=; no amino-acid change (proline 1344 retained).
Molecular consequence: synonymous variant. On other transcripts: non-coding transcript variant (1).
Genome position (GRCh38, 1-based): chr19:11,034,994, C>G. VCF-style: chr19-11034994-C-G. GRCh37 (hg19) VCF-style: chr19-11145670-C-G.
Other names: c.4032C>G, p.Pro1344= (NM_001128844.3, NM_001128849.3); c.3933C>G, p.Pro1311= (NM_001128845.2, NM_001128846.2, NM_001128847.4 and 2 more transcripts).
Identifiers: ClinVar variation 729406 (VCV000729406.14), dbSNP rs745307333, ClinGen allele CA505493348.

ClinVar aggregate classification (germline): Benign/Likely benign. Review status: criteria provided, multiple submitters, no conflicts (2 of 4 stars). 3 submissions from 3 submitters: Benign (1); Likely benign (2). Last evaluated 2026-07-17.

Conditions:
Rhabdoid tumor predisposition syndrome 2 (RTPS2). Identifiers: Orphanet 231108, Orphanet 69077, MedGen C2750074, MONDO:0013224, OMIM 613325.
Hereditary cancer-predisposing syndrome. Also called: Hereditary neoplastic syndrome; Neoplastic Syndromes, Hereditary; Tumor predisposition; Hereditary Cancer Syndrome. Identifiers: Orphanet 140162, MedGen C0027672, MeSH D009386, MONDO:0015356.

gnomAD v4.1: 1 of 1,610,288 alleles (0.000062%); highest among the groups gnomAD compares: Non-Finnish European, 0.000085%; no homozygotes.

Submissions (3):

Myriad Genetics, Inc.
Classification: Benign for Rhabdoid tumor predisposition syndrome 2. Last evaluated: 2026-07-17. Review status: criteria provided, single submitter. Criteria: Myriad Autosomal Dominant, Autosomal Recessive and X-Linked Classification Criteria (2023). Collection method: clinical testing. Allele origin: unknown.
Comment: This variant is considered benign. This variant is a silent/synonymous amino acid change and it is not expected to impact splicing.

Labcorp Genetics (formerly Invitae), Labcorp
Classification: Likely benign for Rhabdoid tumor predisposition syndrome 2. Last evaluated: 2025-11-24. Review status: criteria provided, single submitter. Criteria: Invitae Variant Classification Sherloc (09022015). Collection method: clinical testing. Allele origin: germline.

Ambry Genetics
Classification: Likely benign for Hereditary cancer-predisposing syndrome. Last evaluated: 2017-11-21. Review status: criteria provided, single submitter. Criteria: Ambry Variant Classification Scheme 2023. Collection method: clinical testing. Allele origin: germline.